The following is an entry in ClinVar:

NM_005236.3(ERCC4):c.1838C>G (p.Ser613Ter)

Gene: ERCC4 (ERCC excision repair 4, endonuclease catalytic subunit; plus strand). Cytogenetic location: 16p13.12.
Variant type: single nucleotide variant.
Coding change: c.1838C>G on transcript NM_005236.3 (MANE Select); coding-DNA position 1838, C replaced by G.
Protein change: p.Ser613Ter; replaces serine 613 with a stop codon.
Molecular consequence: nonsense.
Genome position (GRCh38, 1-based): chr16:13,937,792, C>G. VCF-style: chr16-13937792-C-G. GRCh37 (hg19) VCF-style: chr16-14031649-C-G.
Other names: short protein forms S613*.
Identifiers: ClinVar variation 1723058 (VCV001723058.2), dbSNP rs2543184108, ClinGen allele CA394813965.
Genomic context (GRCh38, chr16:13,937,792, plus strand): 5'-TTTTCCAACCTAAAAGTTCTGTCTTAACATGCAGGGTTTACTTTCTTATATACGGAGGTT[C>G]AACTGAGGAACAACGCTATCTCACTGCTTTGCGGAAAGAAAAGGAAGCTTTTGAAAAACT-3'

ClinVar aggregate classification (germline): Likely pathogenic (1 of 4 stars; one submission).

Allele frequency attached by ClinVar (database versions not stated): gnomAD exomes 0.00001.
gnomAD v4.1: 12 of 1,613,236 alleles (0.00074%); highest among the groups gnomAD compares: Non-Finnish European, 0.00076%; no homozygotes.

Submission:

GeneDx
Classification: Likely pathogenic. Last evaluated: 2022-05-05. Review status: criteria provided, single submitter. Criteria: GeneDx Variant Classification Process June 2021. Collection method: clinical testing. Allele origin: germline. Affected: yes.
Comment: Nonsense variant predicted to result in protein truncation or nonsense mediated decay in a gene for which loss of function is a known mechanism of disease; Not observed at significant frequency in large population cohorts (gnomAD); Identified in a cohort of self-selected adult participants that had whole-genome sequencing (Hou 2020); This variant is associated with the following publications: (PMID: 31980526)